The following is an entry in ClinVar:

ClinVar aggregate classification (germline): Uncertain significance. Review status: criteria provided, multiple submitters, no conflicts (2 of 4 stars). 3 submissions from 3 submitters: Uncertain significance (3). Last evaluated 2025-02-10.

Conditions:
Hereditary cancer-predisposing syndrome. Also called: Tumor predisposition; Neoplastic Syndromes, Hereditary; Hereditary neoplastic syndrome; Hereditary Cancer Syndrome. Identifiers: Orphanet 140162, MedGen C0027672, MeSH D009386, MONDO:0015356.
Intrauterine growth retardation, metaphyseal dysplasia, adrenal hypoplasia congenita, genital anomalies, and immunodeficiency. Also called: IMAGEI SYNDROME. Identifiers: MedGen C5193036, MONDO:0032684, OMIM 618336.
Colorectal cancer, susceptibility to, 12 (CRCS12). Also called: COLORECTAL CANCER, SUSCEPTIBILITY TO, ON CHROMOSOME 12q24. Identifiers: Orphanet 220460, MedGen C3554460, MONDO:0014038, OMIM 615083.
Facial dysmorphism-immunodeficiency-livedo-short stature syndrome. Also called: FILS syndrome; Facial dysmorphism, immunodeficiency, livedo, and short stature. Identifiers: Orphanet 352712, MedGen C3554576, MONDO:0014058, OMIM 615139.

Submissions (3):

Labcorp Genetics (formerly Invitae), Labcorp
Classification: Uncertain significance. Last evaluated: 2025-02-10. Review status: criteria provided, single submitter. Criteria: Invitae Variant Classification Sherloc (09022015). Collection method: clinical testing. Allele origin: germline.
Comment: This sequence change replaces aspartic acid, which is acidic and polar, with valine, which is neutral and non-polar, at codon 601 of the POLE protein (p.Asp601Val). This variant is not present in population databases (gnomAD no frequency). This variant has not been reported in the literature in individuals affected with POLE-related conditions. ClinVar contains an entry for this variant (Variation ID: 849118). Invitae Evidence Modeling of protein sequence and biophysical properties (such as structural, functional, and spatial information, amino acid conservation, physicochemical variation, residue mobility, and thermodynamic stability) indicates that this missense variant is not expected to disrupt POLE protein function with a negative predictive value of 80%. In summary, the available evidence is currently insufficient to determine the role of this variant in disease. Therefore, it has been classified as a Variant of Uncertain Significance.

Ambry Genetics
Classification: Uncertain significance for Hereditary cancer-predisposing syndrome. Last evaluated: 2024-07-29. Review status: criteria provided, single submitter. Criteria: Ambry Variant Classification Scheme 2023. Collection method: clinical testing. Allele origin: germline.
Comment: The p.D601V variant (also known as c.1802A>T), located in coding exon 17 of the POLE gene, results from an A to T substitution at nucleotide position 1802. The aspartic acid at codon 601 is replaced by valine, an amino acid with highly dissimilar properties. This amino acid position is conserved. In addition, this alteration is predicted to be tolerated by in silico analysis. Based on the available evidence, the clinical significance of this variant remains unclear.

Fulgent Genetics
Classification: Uncertain significance for Colorectal cancer, susceptibility to, 12; Facial dysmorphism-immunodeficiency-livedo-short stature syndrome; Intrauterine growth retardation, metaphyseal dysplasia, adrenal hypoplasia congenita, genital anomalies, and immunodeficiency. Last evaluated: 2021-10-11. Review status: criteria provided, single submitter. Criteria: ACMG Guidelines, 2015. Collection method: clinical testing. Allele origin: unknown.

NM_006231.4(POLE):c.1802A>T (p.Asp601Val)

Gene: POLE (DNA polymerase epsilon, catalytic subunit; minus strand). Cytogenetic location: 12q24.33.
Variant type: single nucleotide variant.
Coding change: c.1802A>T on transcript NM_006231.4 (MANE Select); coding-DNA position 1802, A replaced by T.
Protein change: p.Asp601Val; replaces aspartic acid 601 with valine.
Molecular consequence: missense variant.
Genome position (GRCh38, 1-based): chr12:132,668,932, T>A on the plus strand (A>T on the coding strand, the complement: POLE is on the minus strand). VCF-style: chr12-132668932-T-A. GRCh37 (hg19) VCF-style: chr12-133245518-T-A.
Other names: c.1802A>T (NM_006231.2); short protein forms D601V.
Identifiers: ClinVar variation 849118 (VCV000849118.10), dbSNP rs2042862564, ClinGen allele CA387355634.